The following is an entry in ClinVar:

NM_004431.5(EPHA2):c.1532C>T (p.Thr511Met)

Gene: EPHA2 (EPH receptor A2; minus strand). Cytogenetic location: 1p36.13.
Variant type: single nucleotide variant.
Coding change: c.1532C>T on transcript NM_004431.5 (MANE Select); coding-DNA position 1532, C replaced by T.
Protein change: p.Thr511Met; replaces threonine 511 with methionine.
Molecular consequence: missense variant.
Genome position (GRCh38, 1-based): chr1:16,135,086, G>A on the plus strand (C>T on the coding strand, the complement: EPHA2 is on the minus strand). VCF-style: chr1-16135086-G-A. GRCh37 (hg19) VCF-style: chr1-16461581-G-A.
Other names: c.1370C>T, p.Thr457Met (NM_001329090.2); short protein forms T511M, T457M.
Identifiers: ClinVar variation 293430 (VCV000293430.16), dbSNP rs55747232, ClinGen allele CA625151.

ClinVar aggregate classification (germline): Benign/Likely benign. Review status: criteria provided, multiple submitters, no conflicts (2 of 4 stars). 4 submissions from 4 submitters: Benign (2); Likely benign (2). Last evaluated 2026-01-06.

Conditions:
Cataract 6 multiple types. Also called: CATARACT, AGE-RELATED CORTICAL, 2; CATARACT 6, POSTERIOR POLAR; CATARACT 6, CONGENITAL TOTAL. Identifiers: Orphanet 91492, MedGen C1861825, MONDO:0007288, OMIM 116600.

Allele frequency attached by ClinVar (database versions not stated): gnomAD 0.00067 and 0.00117; gnomAD exomes 0.00079 and 0.00253; TOPMed 0.00159; ExAC 0.00257; 1000 Genomes Project 30x 0.00531; 1000 Genomes Project 0.00539.
gnomAD v4.1: 1,373 of 1,613,806 alleles (0.085%); highest among the groups gnomAD compares: East Asian, 2.1%; 18 homozygotes.

Submissions (4):

Labcorp Genetics (formerly Invitae), Labcorp
Classification: Benign for Cataract 6 multiple types. Last evaluated: 2026-01-06. Review status: criteria provided, single submitter. Criteria: Invitae Variant Classification Sherloc (09022015). Collection method: clinical testing. Allele origin: germline.

GeneDx
Classification: Likely benign. Last evaluated: 2020-04-27. Review status: criteria provided, single submitter. Criteria: GeneDx Variant Classification Process June 2021. Collection method: clinical testing. Allele origin: germline. Affected: yes.
Comment: See Variant Classification Assertion Criteria.

Illumina Laboratory Services, Illumina
Classification: Benign for Cataract 6 multiple types. Last evaluated: 2018-01-12. Review status: criteria provided, single submitter. Criteria: ICSL Variant Classification Criteria 13 December 2019. Collection method: clinical testing. Allele origin: germline.
Comment: This variant was observed in the ICSL laboratory as part of a predisposition screen in an ostensibly healthy population. It had not been previously curated by ICSL or reported in the Human Gene Mutation Database (HGMD: prior to June 1st, 2018), and was therefore a candidate for classification through an automated scoring system. Utilizing variant allele frequency, disease prevalence and penetrance estimates, and inheritance mode, an automated score was calculated to assess if this variant is too frequent to cause the disease. Based on the score and internal cut-off values, a variant classified as benign is not then subjected to further curation. The score for this variant resulted in a classification of benign for this disease.

Breakthrough Genomics
Classification: Likely benign. Review status: criteria provided, single submitter. Criteria: ACMG Guidelines, 2015. Collection method: not provided. Allele origin: germline. Inheritance: Autosomal dominant inheritance. Affected: yes.